The following is an entry in ClinVar:

ClinVar aggregate classification (germline): Uncertain significance (1 of 4 stars; one submission).

Conditions:
Dilated cardiomyopathy 1JJ (CMD1JJ). Identifiers: Orphanet 154, MedGen C3808935, MONDO:0014095, OMIM 615235.

Allele frequency attached by ClinVar (database versions not stated): gnomAD 0.00001.
gnomAD v4.1: 4 of 1,613,718 alleles (0.00025%); highest among the groups gnomAD compares: South Asian, 0.0044%; no homozygotes.

Submission:

Labcorp Genetics (formerly Invitae), Labcorp
Classification: Uncertain significance for Dilated cardiomyopathy 1JJ. Last evaluated: 2024-04-03. Review status: criteria provided, single submitter. Criteria: Invitae Variant Classification Sherloc (09022015). Collection method: clinical testing. Allele origin: germline.
Comment: This sequence change replaces asparagine, which is neutral and polar, with lysine, which is basic and polar, at codon 158 of the LAMA4 protein (p.Asn158Lys). This variant is present in population databases (no rsID available, gnomAD 0.006%). This variant has not been reported in the literature in individuals affected with LAMA4-related conditions. Algorithms developed to predict the effect of missense changes on protein structure and function output the following: SIFT: "Not Available"; PolyPhen-2: "Benign"; Align-GVGD: "Not Available". The lysine amino acid residue is found in multiple mammalian species, which suggests that this missense change does not adversely affect protein function. In summary, the available evidence is currently insufficient to determine the role of this variant in disease. Therefore, it has been classified as a Variant of Uncertain Significance.

NM_001105206.3(LAMA4):c.474C>G (p.Asn158Lys)

Gene: LAMA4 (laminin subunit alpha 4; minus strand). Cytogenetic location: 6q21.
Variant type: single nucleotide variant.
Coding change: c.474C>G on transcript NM_001105206.3 (MANE Select); coding-DNA position 474, C replaced by G.
Protein change: p.Asn158Lys; replaces asparagine 158 with lysine.
Molecular consequence: missense variant.
Genome position (GRCh38, 1-based): chr6:112,201,637, G>C on the plus strand (C>G on the coding strand, the complement: LAMA4 is on the minus strand). VCF-style: chr6-112201637-G-C. GRCh37 (hg19) VCF-style: chr6-112522838-G-C.
Other names: c.474C>G, p.Asn158Lys (NM_001105207.3, NM_002290.5); short protein forms N158K.
Identifiers: ClinVar variation 2848251 (VCV002848251.3), dbSNP rs782189528, ClinGen allele CA365379697.